The following is an entry in ClinVar:

ClinVar aggregate classification (germline): Likely benign. Review status: criteria provided, multiple submitters, no conflicts (2 of 4 stars). 2 submissions from 2 submitters: Likely benign (2). Last evaluated 2025-12-17.

Conditions:
FAT4-related disorder. Also called: FAT4-related condition.

Allele frequency attached by ClinVar (database versions not stated): TOPMed 0.00001; gnomAD exomes 0.00008.
gnomAD v4.1: 116 of 1,613,706 alleles (0.0072%); highest among the groups gnomAD compares: Non-Finnish European, 0.0097%; no homozygotes.

Submissions (2):

PreventionGenetics, part of Exact Sciences
Classification: Likely benign for FAT4-related condition. Last evaluated: 2025-12-17. Review status: criteria provided, single submitter. Criteria: ACMG Guidelines, 2015. Collection method: clinical testing. Allele origin: germline.
Comment: This variant is classified as likely benign based on ACMG/AMP sequence variant interpretation guidelines (Richards et al. 2015 PMID: 25741868, with internal and published modifications).

Labcorp Genetics (formerly Invitae), Labcorp
Classification: Likely benign. Last evaluated: 2025-11-27. Review status: criteria provided, single submitter. Criteria: Invitae Variant Classification Sherloc (09022015). Collection method: clinical testing. Allele origin: germline.

NM_001291303.3(FAT4):c.8949T>C (p.Pro2983=)

Gene: FAT4 (FAT atypical cadherin 4; plus strand). Cytogenetic location: 4q28.1.
Variant type: single nucleotide variant.
Coding change: c.8949T>C on transcript NM_001291303.3 (MANE Select); coding-DNA position 8949, T replaced by C.
Protein change: p.Pro2983=; no amino-acid change (proline 2983 retained).
Molecular consequence: synonymous variant.
Genome position (GRCh38, 1-based): chr4:125,449,959, T>C. VCF-style: chr4-125449959-T-C. GRCh37 (hg19) VCF-style: chr4-126371114-T-C.
Other names: c.8943T>C (NM_024582.4); c.8949T>C, p.Pro2983= (NM_001291285.3); c.8943T>C, p.Pro2981= (NM_024582.6).
Identifiers: ClinVar variation 1991581 (VCV001991581.5), dbSNP rs766890007, ClinGen allele CA104881566.